The following is an entry in ClinVar:

NM_003153.5(STAT6):c.562G>A (p.Gly188Arg)

Gene: STAT6 (signal transducer and activator of transcription 6; minus strand). Cytogenetic location: 12q13.3.
Variant type: single nucleotide variant.
Coding change: c.562G>A on transcript NM_003153.5 (MANE Select); coding-DNA position 562, G replaced by A.
Protein change: p.Gly188Arg; replaces glycine 188 with arginine.
Molecular consequence: missense variant. On other transcripts: non-coding transcript variant (1).
Genome position (GRCh38, 1-based): chr12:57,106,309, C>T on the plus strand (G>A on the coding strand, the complement: STAT6 is on the minus strand). VCF-style: chr12-57106309-C-T. GRCh37 (hg19) VCF-style: chr12-57500092-C-T.
Other names: c.562G>A, p.Gly188Arg (NM_001178078.2, NM_001178079.2); c.232G>A, p.Gly78Arg (NM_001178080.2, NM_001178081.2); short protein forms G188R, G78R.
Identifiers: ClinVar variation 4996276 (VCV004996276.1).

ClinVar aggregate classification (germline): Uncertain significance (1 of 4 stars; one submission).

Conditions:
STAT6-related condition.

gnomAD v4.1: 1 of 1,614,252 alleles (0.000062%); highest among the groups gnomAD compares: Non-Finnish European, 0.000085%; no homozygotes.

Submission:

PreventionGenetics, part of Exact Sciences
Classification: Uncertain significance for STAT6-related condition. Last evaluated: 2026-06-05. Review status: criteria provided, single submitter. Criteria: ACMG Guidelines, 2015. Collection method: clinical testing. Allele origin: germline.
Comment: The STAT6 c.562G>A variant is predicted to result in the amino acid substitution p.Gly188Arg. To our knowledge, this variant has not been reported in the literature or in a large population database (gnomAD), indicating this variant is rare. At this time, the clinical significance of this variant is uncertain due to the absence of conclusive functional and genetic evidence.